The following is an entry in ClinVar:

ClinVar aggregate classification (germline): Uncertain significance. Review status: criteria provided, multiple submitters, no conflicts (2 of 4 stars). 2 submissions from 2 submitters: Uncertain significance (2). Last evaluated 2024-12-21.

Conditions:
Inborn genetic diseases. Identifiers: MedGen C0950123, MeSH D030342.
Cone-rod dystrophy 6 (CORD6). Also called: RETINAL CONE DYSTROPHY 2; Cone dystrophy progressive. Identifiers: Orphanet 1872, MedGen C1866293, MONDO:0011143, OMIM 601777.
Leber congenital amaurosis 1 (LCA1). Also called: RETINAL BLINDNESS, CONGENITAL; AMAUROSIS CONGENITA OF LEBER I; Congenital absence of the rods and cones; Leber's congenital tapetoretinal degeneration; Leber's congenital tapetoretinal dysplasia. Identifiers: Orphanet 65, MedGen C2931258, MONDO:0008764, OMIM 204000.

Allele frequency attached by ClinVar (database versions not stated): gnomAD exomes below 0.00001; TOPMed below 0.00001.
gnomAD v4.1: 4 of 1,588,044 alleles (0.00025%); highest among the groups gnomAD compares: Non-Finnish European, 0.00034%; no homozygotes.

Submissions (2):

Ambry Genetics
Classification: Uncertain significance for Inborn genetic diseases. Last evaluated: 2024-12-21. Review status: criteria provided, single submitter. Criteria: Ambry Variant Classification Scheme 2023. Collection method: clinical testing. Allele origin: germline.

Labcorp Genetics (formerly Invitae), Labcorp
Classification: Uncertain significance for Leber congenital amaurosis 1; Cone-rod dystrophy 6. Last evaluated: 2024-11-17. Review status: criteria provided, single submitter. Criteria: Invitae Variant Classification Sherloc (09022015). Collection method: clinical testing. Allele origin: germline.
Comment: This sequence change replaces alanine, which is neutral and non-polar, with serine, which is neutral and polar, at codon 1050 of the GUCY2D protein (p.Ala1050Ser). This variant is not present in population databases (gnomAD no frequency). This variant has not been reported in the literature in individuals affected with GUCY2D-related conditions. ClinVar contains an entry for this variant (Variation ID: 1461738). Invitae Evidence Modeling of protein sequence and biophysical properties (such as structural, functional, and spatial information, amino acid conservation, physicochemical variation, residue mobility, and thermodynamic stability) indicates that this missense variant is not expected to disrupt GUCY2D protein function with a negative predictive value of 80%. In summary, the available evidence is currently insufficient to determine the role of this variant in disease. Therefore, it has been classified as a Variant of Uncertain Significance.

NM_000180.4(GUCY2D):c.3148G>T (p.Ala1050Ser)

Gene: GUCY2D (guanylate cyclase 2D, retinal; plus strand). Cytogenetic location: 17p13.1.
Variant type: single nucleotide variant.
Coding change: c.3148G>T on transcript NM_000180.4 (MANE Select); coding-DNA position 3148, G replaced by T.
Protein change: p.Ala1050Ser; replaces alanine 1050 with serine.
Molecular consequence: missense variant.
Genome position (GRCh38, 1-based): chr17:8,016,214, G>T. VCF-style: chr17-8016214-G-T. GRCh37 (hg19) VCF-style: chr17-7919532-G-T.
Other names: c.3148G>T (NM_000180.3); short protein forms A1050S.
Identifiers: ClinVar variation 1461738 (VCV001461738.8), dbSNP rs1221467842, ClinGen allele CA397955960.